The following is an entry in ClinVar:

NM_014822.4(SEC24D):c.2716G>A (p.Val906Ile)

Gene: SEC24D (SEC24 homolog D, COPII component; minus strand). Cytogenetic location: 4q26.
Variant type: single nucleotide variant.
Coding change: c.2716G>A on transcript NM_014822.4 (MANE Select); coding-DNA position 2716, G replaced by A.
Protein change: p.Val906Ile; replaces valine 906 with isoleucine.
Molecular consequence: missense variant.
Genome position (GRCh38, 1-based): chr4:118,731,468, C>T on the plus strand (G>A on the coding strand, the complement: SEC24D is on the minus strand). VCF-style: chr4-118731468-C-T. GRCh37 (hg19) VCF-style: chr4-119652623-C-T.
Other names: c.2719G>A, p.Val907Ile (NM_001318066.2); short protein forms V906I, V907I.
Identifiers: ClinVar variation 2184374 (VCV002184374.4), dbSNP rs754315464, ClinGen allele CA3056889.

ClinVar aggregate classification (germline): Uncertain significance (1 of 4 stars; one submission).

Allele frequency attached by ClinVar (database versions not stated): TOPMed 0.00001; gnomAD 0.00003; gnomAD exomes 0.00005; ExAC 0.00007.
gnomAD v4.1: 84 of 1,613,926 alleles (0.0052%); highest among the groups gnomAD compares: South Asian, 0.022%; no homozygotes.

Submission:

Labcorp Genetics (formerly Invitae), Labcorp
Classification: Uncertain significance. Last evaluated: 2022-10-17. Review status: criteria provided, single submitter. Criteria: Invitae Variant Classification Sherloc (09022015). Collection method: clinical testing. Allele origin: germline.
Comment: In summary, the available evidence is currently insufficient to determine the role of this variant in disease. Therefore, it has been classified as a Variant of Uncertain Significance. Algorithms developed to predict the effect of missense changes on protein structure and function output the following: SIFT: "Not Available"; PolyPhen-2: "Benign"; Align-GVGD: "Not Available". The isoleucine amino acid residue is found in multiple mammalian species, which suggests that this missense change does not adversely affect protein function. This variant has not been reported in the literature in individuals affected with SEC24D-related conditions. This variant is present in population databases (rs754315464, gnomAD 0.02%). This sequence change replaces valine, which is neutral and non-polar, with isoleucine, which is neutral and non-polar, at codon 906 of the SEC24D protein (p.Val906Ile).